The following is an entry in ClinVar:

NM_003118.4(SPARC):c.872G>T (p.Gly291Val)

Genes: SPARC (secreted protein acidic and cysteine rich; minus strand), LOC126807556 (MED14-independent group 3 enhancer GRCh37_chr5:151042798-151043997; plus strand). Cytogenetic location: 5q33.1.
Variant type: single nucleotide variant.
Coding change: c.872G>T on transcript NM_003118.4 (MANE Select); coding-DNA position 872, G replaced by T.
Protein change: p.Gly291Val; replaces glycine 291 with valine.
Molecular consequence: missense variant.
Genome position (GRCh38, 1-based): chr5:151,664,098, C>A on the plus strand (G>T on the coding strand, the complement: SPARC is on the minus strand). VCF-style: chr5-151664098-C-A. GRCh37 (hg19) VCF-style: chr5-151043659-C-A.
Other names: c.869G>T, p.Gly290Val (NM_001309443.2); c.872G>T, p.Gly291Val (NM_001309444.2); short protein forms G291V, G290V.
Identifiers: ClinVar variation 5006859 (VCV005006859.2).

ClinVar aggregate classification (germline): Uncertain significance (1 of 4 stars; one submission).

Conditions:
Osteogenesis imperfecta type 17. Also called: Osteogenesis imperfecta, type xvii. Identifiers: Orphanet 666, MedGen C4225301, MONDO:0014672, OMIM 616507.

gnomAD v4.1: 4 of 1,614,050 alleles (0.00025%); highest among the groups gnomAD compares: Non-Finnish European, 0.00034%; no homozygotes.

Submission:

Juno Genomics, Hangzhou Juno Genomics, Inc
Classification: Uncertain significance for Osteogenesis imperfecta type 17. Review status: criteria provided, single submitter. Criteria: ACMG Guidelines, 2015. Collection method: clinical testing. Allele origin: germline.
Comment: Absent from controls (or at extremely low frequency if recessive) in Genome Aggregation Database.